The following is an entry in ClinVar:

NM_033100.4(CDHR1):c.1972G>T (p.Ala658Ser)

Gene: CDHR1 (cadherin related family member 1; plus strand). Cytogenetic location: 10q23.1.
Variant type: single nucleotide variant.
Coding change: c.1972G>T on transcript NM_033100.4 (MANE Select); coding-DNA position 1972, G replaced by T.
Protein change: p.Ala658Ser; replaces alanine 658 with serine.
Molecular consequence: missense variant.
Genome position (GRCh38, 1-based): chr10:84,213,280, G>T. VCF-style: chr10-84213280-G-T. GRCh37 (hg19) VCF-style: chr10-85973036-G-T.
Other names: c.1972G>T, p.Ala658Ser (NM_001171971.3); short protein forms A658S.
Identifiers: ClinVar variation 1362280 (VCV001362280.8), dbSNP rs753323082, ClinGen allele CA377378642.

ClinVar aggregate classification (germline): Uncertain significance (1 of 4 stars; one submission).

Allele frequency attached by ClinVar (database versions not stated): gnomAD exomes below 0.00001; TOPMed below 0.00001.

Submission:

Labcorp Genetics (formerly Invitae), Labcorp
Classification: Uncertain significance. Last evaluated: 2022-08-09. Review status: criteria provided, single submitter. Criteria: Invitae Variant Classification Sherloc (09022015). Collection method: clinical testing. Allele origin: germline.
Comment: In summary, the available evidence is currently insufficient to determine the role of this variant in disease. Therefore, it has been classified as a Variant of Uncertain Significance. Advanced modeling of protein sequence and biophysical properties (such as structural, functional, and spatial information, amino acid conservation, physicochemical variation, residue mobility, and thermodynamic stability) performed at Invitae indicates that this missense variant is expected to disrupt CDHR1 protein function. ClinVar contains an entry for this variant (Variation ID: 1362280). This variant has not been reported in the literature in individuals affected with CDHR1-related conditions. This variant is not present in population databases (gnomAD no frequency). This sequence change replaces alanine, which is neutral and non-polar, with serine, which is neutral and polar, at codon 658 of the CDHR1 protein (p.Ala658Ser).